The following is an entry in ClinVar:

ClinVar aggregate classification (germline): Pathogenic. Review status: criteria provided, multiple submitters, no conflicts (2 of 4 stars). 2 submissions from 2 submitters: Pathogenic (2). Last evaluated 2023-09-17.

Conditions:
Hereditary cancer-predisposing syndrome. Also called: Tumor predisposition; Hereditary neoplastic syndrome; Hereditary Cancer Syndrome; Neoplastic Syndromes, Hereditary. Identifiers: Orphanet 140162, MedGen C0027672, MeSH D009386, MONDO:0015356.
Familial cancer of breast. Also called: hereditary breast carcinoma; Hereditary breast cancer; BREAST CANCER, FAMILIAL. Identifiers: Orphanet 227535, MedGen C0346153, MONDO:0016419, OMIM 114480. Disease mechanism: loss of function.

Submissions (2):

Labcorp Genetics (formerly Invitae), Labcorp
Classification: Pathogenic for Familial cancer of breast. Last evaluated: 2023-09-17. Review status: criteria provided, single submitter. Criteria: Invitae Variant Classification Sherloc (09022015). Collection method: clinical testing. Allele origin: germline.
Comment: This sequence change creates a premature translational stop signal (p.Glu360Argfs*5) in the CHEK2 gene. It is expected to result in an absent or disrupted protein product. Loss-of-function variants in CHEK2 are known to be pathogenic (PMID: 21876083, 24713400). This variant is not present in population databases (gnomAD no frequency). This variant has not been reported in the literature in individuals affected with CHEK2-related conditions. ClinVar contains an entry for this variant (Variation ID: 1172108). For these reasons, this variant has been classified as Pathogenic.

Color Diagnostics, LLC DBA Color Health
Classification: Pathogenic for Hereditary cancer-predisposing syndrome. Last evaluated: 2020-11-06. Review status: criteria provided, single submitter. Criteria: ACMG Guidelines, 2015. Collection method: clinical testing. Allele origin: germline.
Comment: This variant deletes 1 nucleotide in exon 10 of the CHEK2 gene, creating a frameshift and premature translation stop signal. This variant is expected to result in an absent or non-functional protein product. To our knowledge, this variant has not been reported in individuals affected with hereditary cancer in the literature. This variant has not been identified in the general population by the Genome Aggregation Database (gnomAD). Loss of CHEK2 function is a known mechanism of disease. Based on the available evidence, this variant is classified as Pathogenic.

Literature cited by the submitters: PubMed 21876083 (cited by Labcorp Genetics (formerly Invitae), Labcorp); PubMed 24713400 (cited by Labcorp Genetics (formerly Invitae), Labcorp).

NM_007194.4(CHEK2):c.1077del (p.Glu360fs)

Gene: CHEK2 (checkpoint kinase 2; minus strand). Cytogenetic location: 22q12.1.
Variant type: Deletion.
Coding change: c.1077del on transcript NM_007194.4 (MANE Select); coding-DNA position 1077, one base deleted (A; older notation c.1077delA).
Protein change: p.Glu360fs; shifts the reading frame from glutamic acid 360.
Molecular consequence: frameshift variant. On other transcripts: intron variant (3).
Genome position (GRCh38, 1-based): chr22:28,696,919, T deleted on the plus strand (A on the coding strand, the reverse complement: CHEK2 is on the minus strand); the first of 2 consecutive T bases (chr22:28,696,919-28,696,920); deleting either gives the same sequence. VCF-style (leftmost placement, unchanged base first): chr22-28696918-CT-C. GRCh37 (hg19) VCF-style: chr22-29092906-CT-C.
Other names: c.1206del, p.Glu403fs (NM_001005735.3); c.414del, p.Glu139fs (NM_001257387.3, NM_001437942.1); c.876del, p.Glu293fs (NM_001349956.3); c.1170del, p.Glu391fs (NM_001438293.1); c.1009-1046del (NM_145862.3); c.1102-1046del (NM_001438295.1); c.1138-1046del (NM_001438294.1); short protein forms E139fs, E293fs, E360fs, E403fs, E391fs.
Identifiers: ClinVar variation 1172108 (VCV001172108.5), dbSNP rs2145816035, ClinGen allele CA2499226069.